The following is an entry in ClinVar:

ClinVar aggregate classification (germline): Uncertain significance (1 of 4 stars; one submission).

Conditions:
Primary ciliary dyskinesia. Also called: Ciliary dyskinesia. Identifiers: Orphanet 244, MedGen C0008780, MONDO:0016575, HP:0012265.

Allele frequency attached by ClinVar (database versions not stated): gnomAD exomes below 0.00001; TOPMed below 0.00001; ExAC 0.00001.
gnomAD v4.1: 1 of 1,614,110 alleles (0.000062%); highest among the groups gnomAD compares: Admixed American, 0.0017%; no homozygotes.

Submission:

Labcorp Genetics (formerly Invitae), Labcorp
Classification: Uncertain significance for Primary ciliary dyskinesia. Last evaluated: 2021-08-27. Review status: criteria provided, single submitter. Criteria: Invitae Variant Classification Sherloc (09022015). Collection method: clinical testing. Allele origin: germline.
Comment: This sequence change replaces glutamic acid with lysine at codon 4572 of the DNAH5 protein (p.Glu4572Lys). The glutamic acid residue is moderately conserved and there is a small physicochemical difference between glutamic acid and lysine. The frequency data for this variant in the population databases is considered unreliable, as metrics indicate poor data quality at this position in the ExAC database. This variant has not been reported in the literature in individuals affected with DNAH5-related conditions. Algorithms developed to predict the effect of missense changes on protein structure and function are either unavailable or do not agree on the potential impact of this missense change (SIFT: "Tolerated"; PolyPhen-2: "Possibly Damaging"; Align-GVGD: "Class C0"). In summary, the available evidence is currently insufficient to determine the role of this variant in disease. Therefore, it has been classified as a Variant of Uncertain Significance.

NM_001369.3(DNAH5):c.13714G>A (p.Glu4572Lys)

Gene: DNAH5 (dynein axonemal heavy chain 5; minus strand). Cytogenetic location: 5p15.2.
Variant type: single nucleotide variant.
Coding change: c.13714G>A on transcript NM_001369.3 (MANE Select); coding-DNA position 13714, G replaced by A.
Protein change: p.Glu4572Lys; replaces glutamic acid 4572 with lysine.
Molecular consequence: missense variant.
Genome position (GRCh38, 1-based): chr5:13,700,649, C>T on the plus strand (G>A on the coding strand, the complement: DNAH5 is on the minus strand). VCF-style: chr5-13700649-C-T. GRCh37 (hg19) VCF-style: chr5-13700758-C-T.
Other names: short protein forms E4572K.
Identifiers: ClinVar variation 848221 (VCV000848221.7), dbSNP rs768846678, ClinGen allele CA3201277.